The following is an entry in ClinVar:

NM_001083614.2(EARS2):c.931A>G (p.Ile311Val)

Gene: EARS2 (glutamyl-tRNA synthetase 2, mitochondrial; minus strand). Cytogenetic location: 16p12.2.
Variant type: single nucleotide variant.
Coding change: c.931A>G on transcript NM_001083614.2 (MANE Select); coding-DNA position 931, A replaced by G.
Protein change: p.Ile311Val; replaces isoleucine 311 with valine.
Molecular consequence: missense variant. On other transcripts: non-coding transcript variant (1).
Genome position (GRCh38, 1-based): chr16:23,534,915, T>C on the plus strand (A>G on the coding strand, the complement: EARS2 is on the minus strand). VCF-style: chr16-23534915-T-C. GRCh37 (hg19) VCF-style: chr16-23546236-T-C.
Other names: c.931A>G, p.Ile311Val (NM_001308211.1); short protein forms I311V.
Identifiers: ClinVar variation 4709602 (VCV004709602.1).
Genomic context (GRCh38, chr16:23,534,915, plus strand): 5'-TCTGCTGCCAGGACTATTCAGGTGGGCACGTACCTGCAAAACCTGAGCCACAGTTGGTGA[T>C]GATGTCCAACAAGGAATCGGGCAGGAAGCCATCAGCAGCAAAGTGCTCCAGGAAAACGTC-3'
Protein context (NP_001077083.1, residues 301-321): GFLPDSLLDI[Ile311Val]TNCGSGFAEN

ClinVar aggregate classification (germline): Uncertain significance (1 of 4 stars; one submission).

Submission:

Labcorp Genetics (formerly Invitae), Labcorp
Classification: Uncertain significance. Last evaluated: 2025-03-05. Review status: criteria provided, single submitter. Criteria: Invitae Variant Classification Sherloc (09022015). Collection method: clinical testing. Allele origin: germline.
Comment: This sequence change replaces isoleucine, which is neutral and non-polar, with valine, which is neutral and non-polar, at codon 311 of the EARS2 protein (p.Ile311Val). This variant is not present in population databases (gnomAD no frequency). This variant has not been reported in the literature in individuals affected with EARS2-related conditions. Invitae Evidence Modeling of protein sequence and biophysical properties (such as structural, functional, and spatial information, amino acid conservation, physicochemical variation, residue mobility, and thermodynamic stability) indicates that this missense variant is not expected to disrupt EARS2 protein function with a negative predictive value of 95%. In summary, the available evidence is currently insufficient to determine the role of this variant in disease. Therefore, it has been classified as a Variant of Uncertain Significance.